The following is an entry in ClinVar:

NM_003120.3(SPI1):c.109C>G (p.Pro37Ala)

Gene: SPI1 (Spi-1 proto-oncogene; minus strand). Cytogenetic location: 11p11.2.
Variant type: single nucleotide variant.
Coding change: c.109C>G on transcript NM_003120.3 (MANE Select); coding-DNA position 109, C replaced by G.
Protein change: p.Pro37Ala; replaces proline 37 with alanine.
Molecular consequence: missense variant.
Genome position (GRCh38, 1-based): chr11:47,375,666, G>C on the plus strand (C>G on the coding strand, the complement: SPI1 is on the minus strand). VCF-style: chr11-47375666-G-C. GRCh37 (hg19) VCF-style: chr11-47397217-G-C.
Other names: c.112C>G, p.Pro38Ala (NM_001080547.2); short protein forms P37A, P38A.
Identifiers: ClinVar variation 3378262 (VCV003378262.2).

ClinVar aggregate classification (germline): Uncertain significance (1 of 4 stars; one submission).

Submission:

GeneDx
Classification: Uncertain significance. Last evaluated: 2026-01-20. Review status: criteria provided, single submitter. Criteria: GeneDx Variant Classification Process June 2021. Collection method: clinical testing. Allele origin: germline. Affected: yes.
Comment: Not observed at significant frequency in large population cohorts (gnomAD); In silico analysis supports that this missense variant has a deleterious effect on protein structure/function; Has not been previously published as pathogenic or benign to our knowledge